The following is an entry in ClinVar:

ClinVar aggregate classification (germline): Benign. Review status: criteria provided, multiple submitters, no conflicts (2 of 4 stars). 3 submissions from 3 submitters: Benign (3). Last evaluated 2024-07-15.

Allele frequency attached by ClinVar (database versions not stated): ESP Exome Variant Server 0.00083; gnomAD exomes 0.00309 and 0.01273; gnomAD 0.00794 and 0.00813; ExAC 0.01359; 1000 Genomes Project 0.01458; TOPMed 0.01467; 1000 Genomes Project 30x 0.01624.
gnomAD v4.1: 5,702 of 1,563,342 alleles (0.36%); highest among the groups gnomAD compares: Admixed American, 10%; 311 homozygotes.

Submissions (3):

Unidad de Genómica Garrahan, Hospital de Pediatría Garrahan
Classification: Benign. Last evaluated: 2024-07-15. Review status: criteria provided, single submitter. Criteria: ACMG Guidelines, 2015. Collection method: clinical testing. Allele origin: germline. Affected: no. Observed: 19 variant alleles.
Comment: This variant is classified as Benign based on local population frequency. This variant was detected in 20% of patients studied in a panel designed for Epileptic and Developmental Encephalopathy and Progressive Myoclonus Epilepsy. Number of patients: 19. Only high quality variants are reported.

GeneDx
Classification: Benign. Last evaluated: 2018-06-25. Review status: criteria provided, single submitter. Criteria: GeneDx Variant Classification Process June 2021. Collection method: clinical testing. Allele origin: germline. Affected: yes.

Breakthrough Genomics
Classification: Benign. Review status: criteria provided, single submitter. Criteria: ACMG Guidelines, 2015. Collection method: not provided. Allele origin: germline. Inheritance: Autosomal dominant inheritance. Affected: yes.

NM_001271.4(CHD2):c.4278+52A>G

Gene: CHD2 (chromodomain helicase DNA binding protein 2; plus strand). Cytogenetic location: 15q26.1.
Variant type: single nucleotide variant.
Coding change: c.4278+52A>G on transcript NM_001271.4 (MANE Select); 52 bases into the intron after coding-DNA position 4278, A replaced by G.
Molecular consequence: intron variant.
Genome position (GRCh38, 1-based): chr15:93,002,369, A>G. VCF-style: chr15-93002369-A-G. GRCh37 (hg19) VCF-style: chr15-93545599-A-G.
Identifiers: ClinVar variation 1297965 (VCV001297965.5), dbSNP rs2272455, ClinGen allele CA7748435.